The following is an entry in ClinVar:

NM_152564.5(VPS13B):c.6046+1G>T

Gene: VPS13B (vacuolar protein sorting 13 homolog B; plus strand). Cytogenetic location: 8q22.2.
Variant type: single nucleotide variant.
Coding change: c.6046+1G>T on transcript NM_152564.5 (MANE Select); the canonical splice donor site of the intron after coding-DNA position 6046, G replaced by T.
Molecular consequence: splice donor variant.
Genome position (GRCh38, 1-based): chr8:99,661,492, G>T. VCF-style: chr8-99661492-G-T. GRCh37 (hg19) VCF-style: chr8-100673720-G-T.
Other names: c.6121+1G>T (NM_017890.5).
Identifiers: ClinVar variation 862124 (VCV000862124.8), dbSNP rs750003804, ClinGen allele CA4823914.

ClinVar aggregate classification (germline): Likely pathogenic (1 of 4 stars; one submission).

Conditions:
Cohen syndrome (COH1). Also called: PEPPER SYNDROME; Cutis verticis gyrata, retinitis pigmentosa, and sensorineural deafness. Identifiers: Orphanet 193, MedGen C0265223, MONDO:0008999, OMIM 216550.

Allele frequency attached by ClinVar (database versions not stated): gnomAD exomes below 0.00001; ExAC 0.00001.
gnomAD v4.1: 1 of 1,612,420 alleles (0.000062%); highest among the groups gnomAD compares: Non-Finnish European, 0.000085%; no homozygotes.

Submission:

Labcorp Genetics (formerly Invitae), Labcorp
Classification: Likely pathogenic for Cohen syndrome. Last evaluated: 2021-11-11. Review status: criteria provided, single submitter. Criteria: Invitae Variant Classification Sherloc (09022015). Collection method: clinical testing. Allele origin: germline.
Comment: In summary, the currently available evidence indicates that the variant is pathogenic, but additional data are needed to prove that conclusively. Therefore, this variant has been classified as Likely Pathogenic. Algorithms developed to predict the effect of sequence changes on RNA splicing suggest that this variant may disrupt the consensus splice site. ClinVar contains an entry for this variant (Variation ID: 862124). Disruption of this splice site has been observed in individual(s) with inherited retinal disease (PMID: 28341476). The frequency data for this variant in the population databases is considered unreliable, as metrics indicate poor data quality at this position in the gnomAD database. This sequence change affects a donor splice site in intron 35 of the VPS13B gene. It is expected to disrupt RNA splicing. Variants that disrupt the donor or acceptor splice site typically lead to a loss of protein function (PMID: 16199547), and loss-of-function variants in VPS13B are known to be pathogenic (PMID: 15141358, 16648375, 20461111).

Literature cited by the submitters: PubMed 28341476; PubMed 16199547; PubMed 15141358; PubMed 16648375; PubMed 20461111.